The following is an entry in ClinVar:

ClinVar aggregate classification (germline): Pathogenic/Likely pathogenic. Review status: criteria provided, multiple submitters, no conflicts (2 of 4 stars). 3 submissions from 3 submitters: Pathogenic (1); Likely pathogenic (2). Last evaluated 2024-10-04.

Conditions:
SPR-related disorder. Also called: SPR-related condition.
Dopa-responsive dystonia due to sepiapterin reductase deficiency. Also called: DYT-SPR; SPR DEFICIENCY; Sepiapterin reductase deficiency. Identifiers: Orphanet 70594, MedGen C0268468, MONDO:0012994, OMIM 612716.

Submissions (3):

Women's Health and Genetics/Laboratory Corporation of America, LabCorp
Classification: Pathogenic for Dopa-responsive dystonia due to sepiapterin reductase deficiency. Last evaluated: 2024-10-04. Review status: criteria provided, single submitter. Criteria: LabCorp Variant Classification Summary - May 2015. Collection method: clinical testing. Allele origin: germline.
Comment: Variant summary: SPR c.663delG (p.Leu222CysfsX4) results in a premature termination codon, predicted to cause a truncation of the encoded protein but is not expected to cause nonsense mediated decay, although at least one pathogenic truncating variant has been found downstream of this position. The variant was absent in 251474 control chromosomes (gnomAD). To our knowledge, no occurrence of c.663delG in individuals affected with Sepiapterin Reductase Deficiency and no experimental evidence demonstrating its impact on protein function have been reported. No submitters have cited clinical-significance assessments for this variant to ClinVar. Based on the evidence outlined above, the variant was classified as pathogenic.

Department of Pathology and Laboratory Medicine, Sinai Health System
Classification: Likely pathogenic for Dopa-responsive dystonia due to sepiapterin reductase deficiency. Last evaluated: 2023-05-05. Review status: criteria provided, single submitter. Criteria: ACMG Guidelines, 2015. Collection method: research. Allele origin: germline.

Blueprint Genetics
Classification: Likely pathogenic for SPR-related disorders. Last evaluated: 2021-10-28. Review status: criteria provided, single submitter. Criteria: ACMG Guidelines, 2015. Collection method: clinical testing. Allele origin: germline. Affected: yes. Observed: 1 variant allele.

NM_003124.5(SPR):c.663del (p.Leu222fs)

Gene: SPR (sepiapterin reductase; plus strand). Cytogenetic location: 2p13.2.
Variant type: Deletion.
Coding change: c.663del on transcript NM_003124.5 (MANE Select); coding-DNA position 663, one base deleted (G; older notation c.663delG).
Protein change: p.Leu222fs; shifts the reading frame from leucine 222.
Molecular consequence: frameshift variant.
Genome position (GRCh38, 1-based): chr2:72,891,414, G deleted; the last of 3 consecutive G bases (chr2:72,891,412-72,891,414); deleting any one gives the same sequence. VCF-style (leftmost placement, unchanged base first): chr2-72891411-AG-A. GRCh37 (hg19) VCF-style: chr2-73118540-AG-A.
Other names: c.663delG (NM_003124.5); short protein forms L222fs.
Identifiers: ClinVar variation 3384923 (VCV003384923.3).